The following is an entry in ClinVar:

NM_031310.3(PLVAP):c.556G>A (p.Val186Met)

Gene: PLVAP (plasmalemma vesicle associated protein; minus strand). Cytogenetic location: 19p13.11.
Variant type: single nucleotide variant.
Coding change: c.556G>A on transcript NM_031310.3 (MANE Select); coding-DNA position 556, G replaced by A.
Protein change: p.Val186Met; replaces valine 186 with methionine.
Molecular consequence: missense variant.
Genome position (GRCh38, 1-based): chr19:17,365,909, C>T on the plus strand (G>A on the coding strand, the complement: PLVAP is on the minus strand). VCF-style: chr19-17365909-C-T. GRCh37 (hg19) VCF-style: chr19-17476718-C-T.
Other names: short protein forms V186M.
Identifiers: ClinVar variation 3307874 (VCV003307874.2).

ClinVar aggregate classification (germline): Conflicting classifications of pathogenicity. Review status: criteria provided, conflicting classifications (1 of 4 stars). 2 submissions from 2 submitters: Uncertain significance (1); Likely benign (1). Last evaluated 2025-07-02.

Conditions:
Inborn genetic diseases. Identifiers: MedGen C0950123, MeSH D030342.

gnomAD v4.1: 9 of 1,613,942 alleles (0.00056%); highest among the groups gnomAD compares: East Asian, 0.0045%; no homozygotes.

Submissions (2):

Labcorp Genetics (formerly Invitae), Labcorp
Classification: Uncertain significance. Last evaluated: 2025-07-02. Review status: criteria provided, single submitter. Criteria: Invitae Variant Classification Sherloc (09022015). Collection method: clinical testing. Allele origin: germline.
Comment: This sequence change replaces valine, which is neutral and non-polar, with methionine, which is neutral and non-polar, at codon 186 of the PLVAP protein (p.Val186Met). This variant is present in population databases (rs373946539, gnomAD 0.008%). This variant has not been reported in the literature in individuals affected with PLVAP-related conditions. ClinVar contains an entry for this variant (Variation ID: 3307874). Invitae Evidence Modeling of protein sequence and biophysical properties (such as structural, functional, and spatial information, amino acid conservation, physicochemical variation, residue mobility, and thermodynamic stability) indicates that this missense variant is not expected to disrupt PLVAP protein function with a negative predictive value of 80%. In summary, the available evidence is currently insufficient to determine the role of this variant in disease. Therefore, it has been classified as a Variant of Uncertain Significance.

Ambry Genetics
Classification: Likely benign for Inborn genetic diseases. Last evaluated: 2024-03-19. Review status: criteria provided, single submitter. Criteria: Ambry Variant Classification Scheme 2023. Collection method: clinical testing. Allele origin: germline.